The following is an entry in ClinVar:

NM_014140.4(SMARCAL1):c.209T>G (p.Ile70Ser)

Gene: SMARCAL1 (SNF2 related chromatin remodeling annealing helicase 1; plus strand). Cytogenetic location: 2q35.
Variant type: single nucleotide variant.
Coding change: c.209T>G on transcript NM_014140.4 (MANE Select); coding-DNA position 209, T replaced by G.
Protein change: p.Ile70Ser; replaces isoleucine 70 with serine.
Molecular consequence: missense variant.
Genome position (GRCh38, 1-based): chr2:216,414,913, T>G. VCF-style: chr2-216414913-T-G. GRCh37 (hg19) VCF-style: chr2-217279636-T-G.
Other names: c.209T>G, p.Ile70Ser (NM_001127207.2); short protein forms I70S.
Identifiers: ClinVar variation 1469917 (VCV001469917.8), dbSNP rs2106014513, ClinGen allele CA350496780.
Genomic context (GRCh38, chr2:216,414,913, plus strand): 5'-AGCAAGGCCCATCCCAAAATTTCCCAAGGGAGTCTTGTAAGCCAGTGAGCCATGGTGTCA[T>G]TTTCAAGCAACAGAATCTCAGTAGCTCATCTAATGCTGACCAAAGACCTCATGATTCCCA-3'
Protein context (NP_054859.2, residues 60-80): ESCKPVSHGV[Ile70Ser]FKQQNLSSSS

ClinVar aggregate classification (germline): Uncertain significance (1 of 4 stars; one submission).

Conditions:
Schimke immuno-osseous dysplasia (SIOD). Also called: Schimke Immunoosseous Dysplasia. Identifiers: Orphanet 1830, MedGen C0877024, MONDO:0009458, OMIM 242900.

Submission:

Labcorp Genetics (formerly Invitae), Labcorp
Classification: Uncertain significance for Schimke immuno-osseous dysplasia. Last evaluated: 2021-06-14. Review status: criteria provided, single submitter. Criteria: Invitae Variant Classification Sherloc (09022015). Collection method: clinical testing. Allele origin: germline.
Comment: In summary, the available evidence is currently insufficient to determine the role of this variant in disease. Therefore, it has been classified as a Variant of Uncertain Significance. Algorithms developed to predict the effect of missense changes on protein structure and function output the following: SIFT: "Tolerated"; PolyPhen-2: "Benign"; Align-GVGD: "Class C0". The serine amino acid residue is found in multiple mammalian species, suggesting that this missense change does not adversely affect protein function. These predictions have not been confirmed by published functional studies and their clinical significance is uncertain. This variant has not been reported in the literature in individuals with SMARCAL1-related conditions. This variant is not present in population databases (ExAC no frequency). This sequence change replaces isoleucine with serine at codon 70 of the SMARCAL1 protein (p.Ile70Ser). The isoleucine residue is weakly conserved and there is a large physicochemical difference between isoleucine and serine.